The following is an entry in ClinVar:

NM_182978.4(GNAL):c.113_118del (p.Leu38_Ala39del)

Gene: GNAL (G protein subunit alpha L; plus strand). Cytogenetic location: 18p11.21.
Variant type: Deletion.
Coding change: c.113_118del on transcript NM_182978.4 (MANE Select); coding-DNA positions 113 to 118, 6 bases deleted (TGGCCC; older notation c.113_118delTGGCCC).
Protein change: p.Leu38_Ala39del.
Molecular consequence: inframe deletion.
Genome position (GRCh38, 1-based): chr18:11,689,676-11,689,681, TGGCCC deleted; deleting any 6 consecutive bases within chr18:11,689,671-11,689,681 gives the same sequence; the c. name uses the placement nearest the transcript's 3' end. VCF-style (leftmost placement, unchanged base first): chr18-11689670-CGGCCCT-C. GRCh37 (hg19) VCF-style: chr18-11689669-CGGCCCT-C.
Other names: c.113_118del6 (NM_182978.3).
Identifiers: ClinVar variation 1237593 (VCV001237593.5), dbSNP rs201898548, ClinGen allele CA8893771.

ClinVar aggregate classification (germline): Benign. Review status: criteria provided, single submitter (1 of 4 stars). 2 submissions from 2 submitters: Benign (1). 1 of the submissions does not count toward it. Last evaluated 2018-10-31.

Conditions:
GNAL-related disorder. Also called: GNAL-related condition.

Submissions (2):

GeneDx
Classification: Benign. Last evaluated: 2018-10-31. Review status: criteria provided, single submitter. Criteria: GeneDx Variant Classification Process June 2021. Collection method: clinical testing. Allele origin: germline. Affected: yes.

PreventionGenetics, part of Exact Sciences
Classification: Benign for GNAL-related condition. Last evaluated: 2019-05-07. Review status: no assertion criteria provided. Collection method: clinical testing. Allele origin: germline. Not counted in ClinVar's aggregate classification.
Comment: This variant is classified as benign based on ACMG/AMP sequence variant interpretation guidelines (Richards et al. 2015 PMID: 25741868, with internal and published modifications).